The following is an entry in ClinVar:

NM_000094.4(COL7A1):c.4827_4834del (p.Gly1610fs)

Gene: COL7A1 (collagen type VII alpha 1 chain; minus strand). Cytogenetic location: 3p21.31.
Variant type: Deletion.
Coding change: c.4827_4834del on transcript NM_000094.4 (MANE Select); coding-DNA positions 4827 to 4834, 8 bases deleted (AGGGCCTC; older notation c.4827_4834delAGGGCCTC).
Protein change: p.Gly1610fs; shifts the reading frame from glycine 1610.
Molecular consequence: frameshift variant.
Genome position (GRCh38, 1-based): chr3:48,581,325-48,581,332, GAGGCCCT deleted on the plus strand (AGGGCCTC on the coding strand, the reverse complement: COL7A1 is on the minus strand); deleting any 8 consecutive bases within chr3:48,581,325-48,581,335 gives the same sequence; the c. name uses the placement nearest the transcript's 3' end. VCF-style (leftmost placement, unchanged base first): chr3-48581324-GGAGGCCCT-G. GRCh37 (hg19) VCF-style: chr3-48618757-GGAGGCCCT-G.
Other names: c.4824_4831delCTCAGGGC, p.Gly1610Trpfs (NM_000094.3); c.4827_4834del (NM_000094.3); short protein forms G1610fs.
Identifiers: ClinVar variation 1676622 (VCV001676622.2), dbSNP rs2107711734, ClinGen allele CA2580069986.

ClinVar aggregate classification (germline): Pathogenic. Review status: criteria provided, multiple submitters, no conflicts (2 of 4 stars). 2 submissions from 2 submitters: Pathogenic (2). Last evaluated 2025-12-18.

Conditions:
Epidermolysis bullosa dystrophica. Also called: Dystrophic epidermolysis bullosa, Hallopeau-Siemens type (formerly); Dystrophic epidermolysis bullosa. Identifiers: Orphanet 303, MedGen C0079294, MONDO:0006543.
Recessive dystrophic epidermolysis bullosa (RDEB). Also called: Hallopeau-Siemens Disease; DYSTROPHIC EPIDERMOLYSIS BULLOSA, AUTOSOMAL RECESSIVE; EPIDERMOLYSIS BULLOSA DYSTROPHICA, HALLOPEAU-SIEMENS TYPE; EPIDERMOLYSIS BULLOSA DYSTROPHICA, GENERALIZED SEVERE, AUTOSOMAL RECESSIVE; epidermolysis bullosa dystrophica, autosomal recessive; Recessive DEB (RDEB). Identifiers: Orphanet 79408, Orphanet 79409, MedGen C0079474, MONDO:0009179, OMIM 226600.

Submissions (2):

Natera, Inc.
Classification: Pathogenic for Dystrophic epidermolysis bullosa. Last evaluated: 2025-12-18. Review status: criteria provided, single submitter. Criteria: Natera Variant Classification Schema (03/2026). Collection method: clinical testing. Allele origin: germline.
Comment: The c.4827_4834del variant in COL7A1 is a frameshift variant predicted to shift the reading frame beginning at codon 1610 and leads to a stop codon 23 codons downstream. This variant is expected to result in nonsense mediated decay, truncation, or a dysfunctional protein product. This variant is rare in the general population with a frequency below the threshold expected for the associated phenotype(s). This variant has been observed in one or more individuals affected with the associated recessive disease, as either homozygous or compound heterozygous with a second variant (PMID: 25913354). Given the available evidence, this variant is classified as Pathogenic.

Center for Research in Genodermatoses and Epidermolysis Bullosa, University of Buenos Aires
Classification: Pathogenic for Recessive dystrophic epidermolysis bullosa. Last evaluated: 2022-03-14. Review status: criteria provided, single submitter. Criteria: ACMG Guidelines, 2015. Collection method: clinical testing. Allele origin: paternal. Affected: yes. Observed: 1 variant allele, 1 compound heterozygote.

Literature cited by the submitters: PubMed 25913354 (cited by Natera, Inc.); PubMed 35979658 (cited by Center for Research in Genodermatoses and Epidermolysis Bullosa, University of Buenos Aires); PubMed 16971478 (cited by Center for Research in Genodermatoses and Epidermolysis Bullosa, University of Buenos Aires).